The following is an entry in ClinVar:

NM_001384732.1(CPLANE1):c.4263T>C (p.Arg1421=)

Gene: CPLANE1 (ciliogenesis and planar polarity effector complex subunit 1; minus strand). Cytogenetic location: 5p13.2.
Variant type: single nucleotide variant.
Coding change: c.4263T>C on transcript NM_001384732.1 (MANE Select); coding-DNA position 4263, T replaced by C.
Protein change: p.Arg1421=; no amino-acid change (arginine 1421 retained).
Molecular consequence: synonymous variant.
Genome position (GRCh38, 1-based): chr5:37,185,006, A>G on the plus strand (T>C on the coding strand, the complement: CPLANE1 is on the minus strand). VCF-style: chr5-37185006-A-G. GRCh37 (hg19) VCF-style: chr5-37185108-A-G.
Other names: c.4263T>C, p.Arg1421= (NM_023073.4).
Identifiers: ClinVar variation 1630509 (VCV001630509.12), dbSNP rs753705409, ClinGen allele CA3238732.

ClinVar aggregate classification (germline): Likely benign. Review status: criteria provided, multiple submitters, no conflicts (2 of 4 stars). 3 submissions from 3 submitters: Likely benign (3). Last evaluated 2026-04-01.

Allele frequency attached by ClinVar (database versions not stated): gnomAD exomes below 0.00001 and 0.00001; ExAC 0.00002; gnomAD 0.00007 and 0.00008; TOPMed 0.00007.
gnomAD v4.1: 14 of 1,613,966 alleles (0.00087%); highest among the groups gnomAD compares: African/African-American, 0.019%; no homozygotes.

Submissions (3):

CeGaT Center for Human Genetics Tuebingen
Classification: Likely benign. Last evaluated: 2026-04-01. Review status: criteria provided, single submitter. Criteria: CeGaT Center For Human Genetics Tuebingen Variant Classification Criteria Version 2. Collection method: clinical testing. Allele origin: germline. Affected: yes. Observed: 1 variant allele.
Comment: CPLANE1: BP4, BP7

Labcorp Genetics (formerly Invitae), Labcorp
Classification: Likely benign. Last evaluated: 2024-07-01. Review status: criteria provided, single submitter. Criteria: Invitae Variant Classification Sherloc (09022015). Collection method: clinical testing. Allele origin: germline.

Blueprint Genetics
Classification: Likely benign. Last evaluated: 2022-09-09. Review status: criteria provided, single submitter. Criteria: ACMG Guidelines, 2015. Collection method: clinical testing. Allele origin: germline.